The following is an entry in ClinVar:

NM_004863.4(SPTLC2):c.992T>C (p.Ile331Thr)

Gene: SPTLC2 (serine palmitoyltransferase long chain base subunit 2; minus strand). Cytogenetic location: 14q24.3.
Variant type: single nucleotide variant.
Coding change: c.992T>C on transcript NM_004863.4 (MANE Select); coding-DNA position 992, T replaced by C.
Protein change: p.Ile331Thr; replaces isoleucine 331 with threonine.
Molecular consequence: missense variant.
Genome position (GRCh38, 1-based): chr14:77,555,484, A>G on the plus strand (T>C on the coding strand, the complement: SPTLC2 is on the minus strand). VCF-style: chr14-77555484-A-G. GRCh37 (hg19) VCF-style: chr14-78021827-A-G.
Other names: short protein forms I331T.
Identifiers: ClinVar variation 2074954 (VCV002074954.4), dbSNP rs750751524, ClinGen allele CA7289301.

ClinVar aggregate classification (germline): Uncertain significance (1 of 4 stars; one submission).

Conditions:
Neuropathy, hereditary sensory and autonomic, type 1C. Also called: HSAN IC; HSN IC. Identifiers: Orphanet 36386, MedGen C3150896, MONDO:0013337, OMIM 613640.

Allele frequency attached by ClinVar (database versions not stated): TOPMed below 0.00001; ExAC 0.00001; gnomAD 0.00001; gnomAD exomes 0.00001.
gnomAD v4.1: 9 of 1,614,076 alleles (0.00056%); highest among the groups gnomAD compares: Admixed American, 0.005%; no homozygotes.

Submission:

Labcorp Genetics (formerly Invitae), Labcorp
Classification: Uncertain significance for Neuropathy, hereditary sensory and autonomic, type 1C. Last evaluated: 2025-03-11. Review status: criteria provided, single submitter. Criteria: Invitae Variant Classification Sherloc (09022015). Collection method: clinical testing. Allele origin: germline.
Comment: This sequence change replaces isoleucine, which is neutral and non-polar, with threonine, which is neutral and polar, at codon 331 of the SPTLC2 protein (p.Ile331Thr). This variant is present in population databases (rs750751524, gnomAD 0.009%). This variant has not been reported in the literature in individuals affected with SPTLC2-related conditions. This missense change has been observed in at least one individual who was not affected with SPTLC2-related conditions (internal data). ClinVar contains an entry for this variant (Variation ID: 2074954). Invitae Evidence Modeling of protein sequence and biophysical properties (such as structural, functional, and spatial information, amino acid conservation, physicochemical variation, residue mobility, and thermodynamic stability) has been performed for this missense variant. However, the output from this modeling did not meet the statistical confidence thresholds required to predict the impact of this variant on SPTLC2 protein function. In summary, the available evidence is currently insufficient to determine the role of this variant in disease. Therefore, it has been classified as a Variant of Uncertain Significance.